The following is an entry in ClinVar:

ClinVar aggregate classification (germline): Uncertain significance (1 of 4 stars; one submission).

gnomAD v4.1: 34 of 1,611,922 alleles (0.0021%); highest among the groups gnomAD compares: Middle Eastern, 0.016%; no homozygotes.

Submission:

Labcorp Genetics (formerly Invitae), Labcorp
Classification: Uncertain significance. Last evaluated: 2025-12-26. Review status: criteria provided, single submitter. Criteria: Invitae Variant Classification Sherloc (09022015). Collection method: clinical testing. Allele origin: germline.
Comment: This sequence change replaces arginine, which is basic and polar, with cysteine, which is neutral and slightly polar, at codon 377 of the NUP62 protein (p.Arg377Cys). This variant is present in population databases (rs371358546, gnomAD 0.02%). This variant has not been reported in the literature in individuals affected with NUP62-related conditions. An algorithm developed to predict the effect of missense changes on protein structure and function (PolyPhen-2) suggests that this variant is likely to be disruptive. In summary, the available evidence is currently insufficient to determine the role of this variant in disease. Therefore, it has been classified as a Variant of Uncertain Significance.

NM_016553.5(NUP62):c.1129C>T (p.Arg377Cys)

Genes: IL4I1 (interleukin 4 induced 1; minus strand), NUP62 (nucleoporin 62; minus strand). Cytogenetic location: 19q13.33.
Variant type: single nucleotide variant.
Coding change: c.1129C>T on transcript NM_016553.5 (MANE Select); coding-DNA position 1129, C replaced by T.
Protein change: p.Arg377Cys; replaces arginine 377 with cysteine.
Molecular consequence: missense variant. On other transcripts: intron variant (3).
Genome position (GRCh38, 1-based): chr19:49,908,679, G>A on the plus strand (C>T on the coding strand, the complement: NUP62 is on the minus strand). VCF-style: chr19-49908679-G-A. GRCh37 (hg19) VCF-style: chr19-50411936-G-A.
Other names: c.1129C>T, p.Arg377Cys (NM_001193357.2, NM_012346.5, NM_153718.4 and 1 more transcripts); c.-227-4358C>T (NM_001258017.2, NM_172374.3); c.-285-4358C>T (NM_001258018.2); short protein forms R377C.
Identifiers: ClinVar variation 4690810 (VCV004690810.1).